The following is an entry in ClinVar:

ClinVar aggregate classification (germline): Uncertain significance (1 of 4 stars; one submission).

Allele frequency attached by ClinVar (database versions not stated): gnomAD exomes below 0.00001; gnomAD 0.00001.
gnomAD v4.1: 2 of 1,568,714 alleles (0.00013%); highest among the groups gnomAD compares: Non-Finnish European, 0.00017%; no homozygotes.

Submission:

Labcorp Genetics (formerly Invitae), Labcorp
Classification: Uncertain significance. Last evaluated: 2022-07-14. Review status: criteria provided, single submitter. Criteria: Invitae Variant Classification Sherloc (09022015). Collection method: clinical testing. Allele origin: germline.
Comment: This sequence change replaces alanine, which is neutral and non-polar, with serine, which is neutral and polar, at codon 387 of the COL9A3 protein (p.Ala387Ser). This variant is present in population databases (no rsID available, gnomAD 0.007%). In summary, the available evidence is currently insufficient to determine the role of this variant in disease. Therefore, it has been classified as a Variant of Uncertain Significance. Algorithms developed to predict the effect of missense changes on protein structure and function output the following: SIFT: "Tolerated"; PolyPhen-2: "Benign"; Align-GVGD: "Class C0". The serine amino acid residue is found in multiple mammalian species, which suggests that this missense change does not adversely affect protein function. This variant has not been reported in the literature in individuals affected with COL9A3-related conditions.

NM_001853.4(COL9A3):c.1159G>T (p.Ala387Ser)

Gene: COL9A3 (collagen type IX alpha 3 chain; plus strand). Cytogenetic location: 20q13.33.
Variant type: single nucleotide variant.
Coding change: c.1159G>T on transcript NM_001853.4 (MANE Select); coding-DNA position 1159, G replaced by T.
Protein change: p.Ala387Ser; replaces alanine 387 with serine.
Molecular consequence: missense variant.
Genome position (GRCh38, 1-based): chr20:62,829,817, G>T. VCF-style: chr20-62829817-G-T. GRCh37 (hg19) VCF-style: chr20-61461169-G-T.
Other names: short protein forms A387S.
Identifiers: ClinVar variation 1716195 (VCV001716195.5), dbSNP rs1471038113, ClinGen allele CA409593812.